The following is an entry in ClinVar:

ClinVar aggregate classification (germline): Uncertain significance (1 of 4 stars; one submission).

Conditions:
Rhabdoid tumor predisposition syndrome 2 (RTPS2). Identifiers: Orphanet 231108, Orphanet 69077, MedGen C2750074, MONDO:0013224, OMIM 613325.

Submission:

Labcorp Genetics (formerly Invitae), Labcorp
Classification: Uncertain significance for Rhabdoid tumor predisposition syndrome 2. Last evaluated: 2024-10-06. Review status: criteria provided, single submitter. Criteria: Invitae Variant Classification Sherloc (09022015). Collection method: clinical testing. Allele origin: germline.
Comment: This sequence change replaces valine, which is neutral and non-polar, with leucine, which is neutral and non-polar, at codon 204 of the SMARCA4 protein (p.Val204Leu). Information on the frequency of this variant in the gnomAD database is not available, as this variant may be reported differently in the database. This variant has not been reported in the literature in individuals affected with SMARCA4-related conditions. Experimental studies and prediction algorithms are not available or were not evaluated, and the functional significance of this variant is currently unknown. In summary, the available evidence is currently insufficient to determine the role of this variant in disease. Therefore, it has been classified as a Variant of Uncertain Significance.

NM_003072.5(SMARCA4):c.609_610delinsAT (p.Val204Leu)

Gene: SMARCA4 (SWI/SNF related BAF chromatin remodeling complex subunit ATPase 4; plus strand). Cytogenetic location: 19p13.2.
Variant type: Indel.
Coding change: c.609_610delinsAT on transcript NM_003072.5 (MANE Select); coding-DNA positions 609 to 610, GG replaced by AT.
Protein change: p.Val204Leu; replaces valine 204 with leucine.
Molecular consequence: missense variant. On other transcripts: non-coding transcript variant (1).
Genome position (GRCh38, 1-based): chr19:10,986,442-10,986,443, GG replaced by AT. VCF-style: chr19-10986442-GG-AT. GRCh37 (hg19) VCF-style: chr19-11097118-GG-AT.
Other names: c.609_610delinsAT, p.Val204Leu (NM_001128844.3, NM_001128845.2, NM_001128846.2 and 6 more transcripts); short protein forms V204L.
Identifiers: ClinVar variation 3722299 (VCV003722299.2).